The following is an entry in ClinVar:

ClinVar aggregate classification (germline): Uncertain significance (1 of 4 stars; one submission).

Allele frequency attached by ClinVar (database versions not stated): gnomAD 0.00001.
gnomAD v4.1: 7 of 1,614,084 alleles (0.00043%); highest among the groups gnomAD compares: Non-Finnish European, 0.00059%; no homozygotes.

Submissions (2):

Labcorp Genetics (formerly Invitae), Labcorp
Classification: Uncertain significance. Last evaluated: 2022-01-13. Review status: criteria provided, single submitter. Criteria: Invitae Variant Classification Sherloc (09022015). Collection method: clinical testing. Allele origin: germline.
Comment: In summary, the available evidence is currently insufficient to determine the role of this variant in disease. Therefore, it has been classified as a Variant of Uncertain Significance. This variant is present in population databases (no rsID available, gnomAD 0.0009%). This sequence change falls in intron 5 of the ABHD12 gene. It does not directly change the encoded amino acid sequence of the ABHD12 protein. It affects a nucleotide within the consensus splice site. Variants that disrupt the consensus splice site are a relatively common cause of aberrant splicing (PMID: 17576681, 9536098). Algorithms developed to predict the effect of sequence changes on RNA splicing suggest that this variant may disrupt the consensus splice site. This variant has not been reported in the literature in individuals affected with ABHD12-related conditions.

Dr. Peter K. Rogan Lab, Western University
No classification provided (evidence only). Condition: Malignant tumor of esophagus. Review status: no classification provided. Collection method: in vitro. Allele origin: not applicable. Functional consequence: skipped exon. Not counted in ClinVar's aggregate classification.

Literature cited by the submitters: PubMed 17576681 (cited by Labcorp Genetics (formerly Invitae), Labcorp); PubMed 9536098 (cited by Labcorp Genetics (formerly Invitae), Labcorp).

NM_001042472.3(ABHD12):c.574-3C>A

Gene: ABHD12 (abhydrolase domain containing 12, lysophospholipase; minus strand). Cytogenetic location: 20p11.21.
Variant type: single nucleotide variant.
Coding change: c.574-3C>A on transcript NM_001042472.3 (MANE Select); 3 bases into the intron before coding-DNA position 574, C replaced by A.
Molecular consequence: intron variant.
Genome position (GRCh38, 1-based): chr20:25,314,973, G>T on the plus strand (C>A on the coding strand, the complement: ABHD12 is on the minus strand). VCF-style: chr20-25314973-G-T. GRCh37 (hg19) VCF-style: chr20-25295609-G-T.
Other names: c.574-3C>A (NM_015600.5).
Identifiers: ClinVar variation 2082304 (VCV002082304.5), dbSNP rs1364510514, ClinGen allele CA634954736.